The following is an entry in ClinVar:

NM_000038.6(APC):c.2483C>G (p.Thr828Ser)

Gene: APC (APC regulator of Wnt signaling pathway; plus strand). Cytogenetic location: 5q22.2.
Variant type: single nucleotide variant.
Coding change: c.2483C>G on transcript NM_000038.6 (MANE Select); coding-DNA position 2483, C replaced by G.
Protein change: p.Thr828Ser; replaces threonine 828 with serine.
Molecular consequence: missense variant. On other transcripts: non-coding transcript variant (2).
Genome position (GRCh38, 1-based): chr5:112,838,077, C>G. VCF-style: chr5-112838077-C-G. GRCh37 (hg19) VCF-style: chr5-112173774-C-G.
Other names: c.2483C>G, p.Thr828Ser (NM_001127510.3, NM_001354895.2, NM_001407450.1); c.2429C>G, p.Thr810Ser (NM_001127511.3); c.2537C>G, p.Thr846Ser (NM_001354896.2, NM_001407447.1, NM_001407448.1 and 1 more transcripts); c.2513C>G, p.Thr838Ser (NM_001354897.2); c.2408C>G, p.Thr803Ser (NM_001354898.2); c.2399C>G, p.Thr800Ser (NM_001354899.2); c.2360C>G, p.Thr787Ser (NM_001354900.2); c.2306C>G, p.Thr769Ser (NM_001354901.2, NM_001407453.1); and 11 more; short protein forms T444S, T545S, T668S, T699S, T702S, T727S, T737S, T745S.
Identifiers: ClinVar variation 3224812 (VCV003224812.1), dbSNP rs786203696, ClinGen allele CA16026784.

ClinVar aggregate classification (germline): Uncertain significance (1 of 4 stars; one submission).

Conditions:
Hereditary cancer-predisposing syndrome. Also called: Tumor predisposition; Hereditary neoplastic syndrome; Hereditary Cancer Syndrome; Neoplastic Syndromes, Hereditary. Identifiers: Orphanet 140162, MedGen C0027672, MeSH D009386, MONDO:0015356.

Submission:

Ambry Genetics
Classification: Uncertain significance for Hereditary cancer-predisposing syndrome. Last evaluated: 2023-10-16. Review status: criteria provided, single submitter. Criteria: Ambry Variant Classification Scheme 2023. Collection method: clinical testing. Allele origin: germline.
Comment: The p.T828S variant (also known as c.2483C>G), located in coding exon 15 of the APC gene, results from a C to G substitution at nucleotide position 2483. The threonine at codon 828 is replaced by serine, an amino acid with similar properties. This amino acid position is conserved. In addition, in silico predictors for this gene do not accurately predict pathogenicity. Since supporting evidence is limited at this time, the clinical significance of this alteration remains unclear.